The following is an entry in ClinVar:

NM_000540.3(RYR1):c.12559C>A (p.Arg4187Ser)

Gene: RYR1 (ryanodine receptor 1; plus strand). Cytogenetic location: 19q13.2.
Variant type: single nucleotide variant.
Coding change: c.12559C>A on transcript NM_000540.3 (MANE Select); coding-DNA position 12559, C replaced by A.
Protein change: p.Arg4187Ser; replaces arginine 4187 with serine.
Molecular consequence: missense variant.
Genome position (GRCh38, 1-based): chr19:38,561,389, C>A. VCF-style: chr19-38561389-C-A. GRCh37 (hg19) VCF-style: chr19-39052029-C-A.
Other names: c.12544C>A, p.Arg4182Ser (NM_001042723.2); short protein forms R4182S, R4187S.
Identifiers: ClinVar variation 4756850 (VCV004756850.1).
Genomic context (GRCh38, chr19:38,561,389, plus strand): 5'-GAGAGCATCCTTGAGTACTTCCGCCCCTACCTGGGCCGCATCGAGATCATGGGCGCGTCA[C>A]GCCGCATCGAGCGCATCTACTTCGAGATCTCAGAGACCAACCGCGCCCAGTGGGAGATGC-3'
Protein context (NP_000531.2, residues 4177-4197): LGRIEIMGAS[Arg4187Ser]RIERIYFEIS

ClinVar aggregate classification (germline): Uncertain significance (1 of 4 stars; one submission).

Conditions:
Malignant hyperthermia, susceptibility to, 1 (MHS1). Also called: RYR1-Related Malignant Hyperthermia Susceptibility; Malignant hyperthermia suceptibility 1; Anesthesia related hyperthermia; Malignant hyperpyrexia; Fulminating hyperpyrexia; Pharmacogenic myopathy. Identifiers: Orphanet 423, MedGen C2930980, MONDO:0007783, OMIM 145600.

gnomAD v4.1: 4 of 1,613,414 alleles (0.00025%); highest among the groups gnomAD compares: South Asian, 0.0033%; no homozygotes.

Submission:

Color Diagnostics, LLC DBA Color Health
Classification: Uncertain significance for Malignant hyperthermia, susceptibility to, 1. Last evaluated: 2025-06-09. Review status: criteria provided, single submitter. Criteria: ACMG Guidelines, 2015. Collection method: clinical testing. Allele origin: germline.
Comment: This missense variant replaces arginine with serine at codon 4187 of the RYR1 protein. Computational prediction is inconclusive regarding the impact of this variant on protein structure and function. To our knowledge, functional studies have not been reported for this variant. This variant has not been reported in individuals affected with RYR1-related disorders in the literature. This variant has been identified in 2/249746 chromosomes in the general population by the Genome Aggregation Database (gnomAD). The available evidence is insufficient to determine the role of this variant in disease conclusively. Therefore, this variant is classified as a Variant of Uncertain Significance.